The following is an entry in ClinVar:

ClinVar aggregate classification (germline): Pathogenic. Review status: reviewed by expert panel (3 of 4 stars). 4 submissions from 4 submitters: Pathogenic (1). 3 of the submissions do not count toward it. Last evaluated 2016-10-18.

Conditions:
Hereditary breast ovarian cancer syndrome. Also called: Hereditary breast and ovarian cancer; Breast and ovarian cancer; Hereditary breast and ovarian cancer syndrome; BRCA1- and BRCA2-Associated Hereditary Breast and Ovarian Cancer; Hereditary breast and ovarian cancer syndrome (HBOC); Hereditary breast and/or ovarian cancer syndrome. Identifiers: Orphanet 145, MedGen C0677776, MeSH D061325, MONDO:0003582. Disease mechanism: loss of function.
Breast-ovarian cancer, familial, susceptibility to, 2 (BROVCA2). Also called: BRCA2 Hereditary Breast and Ovarian Cancer. Identifiers: Orphanet 145, MedGen C2675520, MONDO:0012933, OMIM 612555. Disease mechanism: loss of function.
Familial cancer of breast. Also called: hereditary breast carcinoma; BREAST CANCER, FAMILIAL; Hereditary breast cancer. Identifiers: Orphanet 227535, MedGen C0346153, MONDO:0016419, OMIM 114480. Disease mechanism: loss of function.

Submissions (4):

Evidence-based Network for the Interpretation of Germline Mutant Alleles (ENIGMA)
Classification: Pathogenic for Breast-ovarian cancer, familial, susceptibility to, 2. Last evaluated: 2016-10-18. Review status: reviewed by expert panel. Criteria: ENIGMA BRCA1/2 Classification Criteria (2015). Collection method: curation. Allele origin: germline.
Comment: Variant allele predicted to encode a truncated non-functional protein.

Department of Clinical Genetics, Copenhagen University Hospital, Rigshospitalet
Classification: Pathogenic for Familial cancer of breast. Last evaluated: 2025-12-10. Review status: criteria provided, single submitter. Criteria: ACMG Guidelines, 2015. Collection method: clinical testing. Allele origin: germline. Not counted in ClinVar's aggregate classification.
Comment: The following ACMG criteria has been used: PM2_SUP; PVS1; PM5_Strong (PTC)

Labcorp Genetics (formerly Invitae), Labcorp
Classification: Pathogenic for Hereditary breast ovarian cancer syndrome. Last evaluated: 2021-08-07. Review status: criteria provided, single submitter. Criteria: Invitae Variant Classification Sherloc (09022015). Collection method: clinical testing. Allele origin: germline. Not counted in ClinVar's aggregate classification.
Comment: For these reasons, this variant has been classified as Pathogenic. ClinVar contains an entry for this variant (Variation ID: 55790). This premature translational stop signal has been observed in individual(s) with a personal and/or family history of breast and ovarian cancer (PMID: 21318380, 29446198). This variant is not present in population databases (ExAC no frequency). This sequence change creates a premature translational stop signal (p.Ser442*) in the BRCA2 gene. It is expected to result in an absent or disrupted protein product. Loss-of-function variants in BRCA2 are known to be pathogenic (PMID: 20104584).

Consortium of Investigators of Modifiers of BRCA1/2 (CIMBA), c/o University of Cambridge
Classification: Pathogenic for Breast-ovarian cancer, familial, susceptibility to, 2. Last evaluated: 2015-10-02. Review status: criteria provided, single submitter. Criteria: CIMBA Mutation Classification guidelines May 2016. Collection method: clinical testing. Allele origin: germline. Not counted in ClinVar's aggregate classification.

Literature cited by the submitters: PubMed 21318380 (cited by Department of Clinical Genetics, Copenhagen University Hospital, Rigshospitalet and Labcorp Genetics (formerly Invitae), Labcorp); PubMed 29446198 (cited by Labcorp Genetics (formerly Invitae), Labcorp); PubMed 20104584 (cited by Labcorp Genetics (formerly Invitae), Labcorp).

NM_000059.4(BRCA2):c.1325C>A (p.Ser442Ter)

Gene: BRCA2 (BRCA2 DNA repair associated; plus strand). Cytogenetic location: 13q13.1.
Variant type: single nucleotide variant.
Coding change: c.1325C>A on transcript NM_000059.4 (MANE Select); coding-DNA position 1325, C replaced by A.
Protein change: p.Ser442Ter; replaces serine 442 with a stop codon.
Molecular consequence: nonsense.
Genome position (GRCh38, 1-based): chr13:32,332,803, C>A. VCF-style: chr13-32332803-C-A. GRCh37 (hg19) VCF-style: chr13-32906940-C-A.
Other names: 1553C>A; short protein forms S442*.
Identifiers: ClinVar variation 55790 (VCV000055790.12), dbSNP rs80358421, ClinGen allele CA011601.
Genomic context (GRCh38, chr13:32,332,803, plus strand): 5'-ATATTTCAGAAAAAGACCTATTAGACACAGAGAACAAAAGAAAGAAAGATTTTCTTACTT[C>A]AGAGAATTCTTTGCCACGTATTTCTAGCCTACCAAAATCAGAGAAGCCATTAAATGAGGA-3'